The following is an entry in ClinVar:

NM_001256789.3(CACNA1F):c.5597G>T (p.Cys1866Phe)

Gene: CACNA1F (calcium voltage-gated channel subunit alpha1 F; minus strand). Cytogenetic location: Xp11.23.
Variant type: single nucleotide variant.
Coding change: c.5597G>T on transcript NM_001256789.3 (MANE Select); coding-DNA position 5597, G replaced by T.
Protein change: p.Cys1866Phe; replaces cysteine 1866 with phenylalanine.
Molecular consequence: missense variant.
Genome position (GRCh38, 1-based): chrX:49,205,689, C>A on the plus strand (G>T on the coding strand, the complement: CACNA1F is on the minus strand). VCF-style: chrX-49205689-C-A. GRCh37 (hg19) VCF-style: chrX-49062149-C-A.
Other names: c.5435G>T, p.Cys1812Phe (NM_001256790.3); c.5630G>T, p.Cys1877Phe (NM_005183.4); short protein forms C1866F, C1877F, C1812F.
Identifiers: ClinVar variation 960793 (VCV000960793.9), dbSNP rs374860668, ClinGen allele CA10409942.
Genomic context (GRCh38, chrX:49,205,689, plus strand): 5'-CTGTCGGCACTGCCCCTCTTCCCATGGCTGGGGTCCGAGTGGGTTCCAGGCACGTGCAGA[C>A]AGGTGAAGGTGCGCAGTGGGCCACTGGATCTGCCGAGGTACCCCTCCCCCGCTGCGCCCT-3'
Protein context (NP_001243718.1, residues 1856-1876): RSSGPLRTFT[Cys1866Phe]LHVPGTHSDP

ClinVar aggregate classification (germline): Uncertain significance (1 of 4 stars; one submission).

Allele frequency attached by ClinVar (database versions not stated): gnomAD exomes 0.00002.

Submission:

Labcorp Genetics (formerly Invitae), Labcorp
Classification: Uncertain significance. Last evaluated: 2019-07-15. Review status: criteria provided, single submitter. Criteria: Invitae Variant Classification Sherloc (09022015). Collection method: clinical testing. Allele origin: germline.
Comment: This sequence change replaces cysteine with phenylalanine at codon 1877 of the CACNA1F protein (p.Cys1877Phe). The cysteine residue is moderately conserved and there is a large physicochemical difference between cysteine and phenylalanine. This variant is present in population databases (rs374860668, ExAC 0.07%). This variant has not been reported in the literature in individuals with CACNA1F-related conditions. Algorithms developed to predict the effect of missense changes on protein structure and function are either unavailable or do not agree on the potential impact of this missense change (SIFT: "Deleterious"; PolyPhen-2: "Benign"; Align-GVGD: "Class C0"). In summary, the available evidence is currently insufficient to determine the role of this variant in disease. Therefore, it has been classified as a Variant of Uncertain Significance.